The following is an entry in ClinVar:

ClinVar aggregate classification (germline): Pathogenic (1 of 4 stars; one submission).

Conditions:
Hereditary breast ovarian cancer syndrome. Also called: Hereditary breast and ovarian cancer syndrome (HBOC); Hereditary breast and/or ovarian cancer syndrome; Hereditary breast and ovarian cancer; BRCA1- and BRCA2-Associated Hereditary Breast and Ovarian Cancer; Hereditary breast and ovarian cancer syndrome; Breast and ovarian cancer. Identifiers: Orphanet 145, MedGen C0677776, MeSH D061325, MONDO:0003582. Disease mechanism: loss of function.

Submission:

Labcorp Genetics (formerly Invitae), Labcorp
Classification: Pathogenic for Hereditary breast ovarian cancer syndrome. Last evaluated: 2024-01-14. Review status: criteria provided, single submitter. Criteria: Invitae Variant Classification Sherloc (09022015). Collection method: clinical testing. Allele origin: germline.
Comment: This variant is a gross deletion of the genomic region encompassing exon(s) 1-12 of the BRCA1 gene, which includes the initiator codon. This deletion extends beyond the assayed region for this gene and therefore may encompass additional genes. It is expected to result in an absent or disrupted protein product. Loss-of-function variants in BRCA1 are known to be pathogenic (PMID: 20104584). A similar copy number variant has been observed in individual(s) with breast and/or ovarian cancer (PMID: 18501021, 23683081). This variant is also known as deletion of exon 1-13. For these reasons, this variant has been classified as Pathogenic.

Literature cited by the submitters: PubMed 20104584; PubMed 18501021; PubMed 23683081.

NC_000017.10:g.(?_41234401)_(41277500_?)del

Gene: BRCA1 (BRCA1 DNA repair associated; minus strand). Cytogenetic location: 17q21.31.
Variant type: Deletion.
Identifiers: ClinVar variation 1072983 (VCV001072983.3).